The following is an entry in ClinVar:

NM_001723.7(DST):c.6244G>C (p.Val2082Leu)

Gene: DST (dystonin; minus strand). Cytogenetic location: 6p12.1.
Variant type: single nucleotide variant.
Coding change: c.6244G>C on transcript NM_001723.7 (MANE Plus Clinical); coding-DNA position 6244, G replaced by C.
Protein change: p.Val2082Leu; replaces valine 2082 with leucine.
Molecular consequence: missense variant. On other transcripts: intron variant (10).
Genome position (GRCh38, 1-based): chr6:56,617,223, C>G on the plus strand (G>C on the coding strand, the complement: DST is on the minus strand). VCF-style: chr6-56617223-C-G. GRCh37 (hg19) VCF-style: chr6-56482021-C-G.
Other names: c.4831-2739G>C (NM_001144769.5); c.4930-2739G>C (NM_001374722.1, NM_001374736.1); c.4957-2739G>C (NM_001374734.1); c.4417-2739G>C (NM_001144770.2); c.4297-2739G>C (NM_001374730.1, NM_001386100.1, NM_183380.4 and 1 more transcripts); c.3319-2739G>C (NM_015548.5); short protein forms V2082L.
Identifiers: ClinVar variation 1413502 (VCV001413502.3), dbSNP rs762758513, ClinGen allele CA364565551.

ClinVar aggregate classification (germline): Uncertain significance (1 of 4 stars; one submission).

Conditions:
Hereditary sensory and autonomic neuropathy type 6. Also called: HSAN VI; Neuropathy, hereditary sensory and autonomic, type VI. Identifiers: Orphanet 314381, MedGen C3539003, MONDO:0013839, OMIM 614653.
Epidermolysis bullosa simplex 3, localized or generalized intermediate, with BP230 deficiency (EBS3). Also called: Epidermolysis bullosa simplex, autosomal recessive 2; Epidermolysis bullosa simplex due to BP230 deficiency. Identifiers: Orphanet 412181, MedGen C3809470, MONDO:0014180, OMIM 615425.

Allele frequency attached by ClinVar (database versions not stated): TOPMed 0.00001.
gnomAD v4.1: 2 of 1,601,252 alleles (0.00012%); highest among the groups gnomAD compares: Admixed American, 0.0034%; no homozygotes.

Submission:

Labcorp Genetics (formerly Invitae), Labcorp
Classification: Uncertain significance for Epidermolysis bullosa simplex 3, localized or generalized intermediate, with BP230 deficiency; Hereditary sensory and autonomic neuropathy type 6. Last evaluated: 2022-05-19. Review status: criteria provided, single submitter. Criteria: Invitae Variant Classification Sherloc (09022015). Collection method: clinical testing. Allele origin: germline.
Comment: This sequence change replaces valine, which is neutral and non-polar, with leucine, which is neutral and non-polar, at codon 2082 of the DST protein (p.Val2082Leu). This variant is not present in population databases (gnomAD no frequency). This variant has not been reported in the literature in individuals affected with DST-related conditions. Algorithms developed to predict the effect of missense changes on protein structure and function are either unavailable or do not agree on the potential impact of this missense change (SIFT: "Deleterious"; PolyPhen-2: "Benign"; Align-GVGD: "Class C0"). In summary, the available evidence is currently insufficient to determine the role of this variant in disease. Therefore, it has been classified as a Variant of Uncertain Significance.